The following is an entry in ClinVar:

ClinVar aggregate classification (germline): Uncertain significance (1 of 4 stars; one submission).

Conditions:
Epilepsy, familial adult myoclonic, 5 (EPEO5). Also called: CORTICAL MYOCLONIC TREMOR WITH EPILEPSY, FAMILIAL, 5. Identifiers: Orphanet 86814, MedGen C3809374, MONDO:0014167, OMIM 615400.

Allele frequency attached by ClinVar (database versions not stated): gnomAD exomes below 0.00001 and 0.00001; TOPMed below 0.00001; gnomAD 0.00001.
gnomAD v4.1: 11 of 1,613,640 alleles (0.00068%); highest among the groups gnomAD compares: Non-Finnish European, 0.00068%; no homozygotes.

Submission:

Labcorp Genetics (formerly Invitae), Labcorp
Classification: Uncertain significance for Epilepsy, familial adult myoclonic, 5. Last evaluated: 2021-09-01. Review status: criteria provided, single submitter. Criteria: Invitae Variant Classification Sherloc (09022015). Collection method: clinical testing. Allele origin: germline.
Comment: This sequence change replaces glutamic acid with aspartic acid at codon 726 of the CNTN2 protein (p.Glu726Asp). The glutamic acid residue is highly conserved and there is a small physicochemical difference between glutamic acid and aspartic acid. This variant is not present in population databases (ExAC no frequency). This variant has not been reported in the literature in individuals affected with CNTN2-related conditions. Advanced modeling of protein sequence and biophysical properties (such as structural, functional, and spatial information, amino acid conservation, physicochemical variation, residue mobility, and thermodynamic stability) performed at Invitae indicates that this missense variant is not expected to disrupt CNTN2 protein function. In summary, the available evidence is currently insufficient to determine the role of this variant in disease. Therefore, it has been classified as a Variant of Uncertain Significance.

NM_005076.5(CNTN2):c.2178G>C (p.Glu726Asp)

Gene: CNTN2 (contactin 2; plus strand). Cytogenetic location: 1q32.1.
Variant type: single nucleotide variant.
Coding change: c.2178G>C on transcript NM_005076.5 (MANE Select); coding-DNA position 2178, G replaced by C.
Protein change: p.Glu726Asp; replaces glutamic acid 726 with aspartic acid.
Molecular consequence: missense variant. On other transcripts: non-coding transcript variant (1).
Genome position (GRCh38, 1-based): chr1:205,069,543, G>C. VCF-style: chr1-205069543-G-C. GRCh37 (hg19) VCF-style: chr1-205038671-G-C.
Other names: c.2178G>C, p.Glu726Asp (NM_001346083.2); short protein forms E726D.
Identifiers: ClinVar variation 1000189 (VCV001000189.6), dbSNP rs1159334970, ClinGen allele CA344377943.